The following is an entry in ClinVar:

ClinVar aggregate classification (germline): Likely benign. Review status: criteria provided, multiple submitters, no conflicts (2 of 4 stars). 2 submissions from 2 submitters: Likely benign (2). Last evaluated 2026-06-21.

Conditions:
GUCY2D-related disorder. Also called: GUCY2D-related condition.
Leber congenital amaurosis 1 (LCA1). Also called: Congenital absence of the rods and cones; Leber's congenital tapetoretinal degeneration; Leber's congenital tapetoretinal dysplasia; RETINAL BLINDNESS, CONGENITAL; AMAUROSIS CONGENITA OF LEBER I. Identifiers: Orphanet 65, MedGen C2931258, MONDO:0008764, OMIM 204000.
Cone-rod dystrophy 6 (CORD6). Also called: Cone dystrophy progressive; RETINAL CONE DYSTROPHY 2. Identifiers: Orphanet 1872, MedGen C1866293, MONDO:0011143, OMIM 601777.

Allele frequency attached by ClinVar (database versions not stated): gnomAD 0.00003; TOPMed 0.00004.
gnomAD v4.1: 5 of 1,527,520 alleles (0.00033%); highest among the groups gnomAD compares: African/African-American, 0.0069%; no homozygotes.

Submissions (2):

PreventionGenetics, part of Exact Sciences
Classification: Likely benign for GUCY2D-related condition. Last evaluated: 2026-06-21. Review status: criteria provided, single submitter. Criteria: ACMG Guidelines, 2015. Collection method: clinical testing. Allele origin: germline.
Comment: This variant is classified as likely benign based on ACMG/AMP sequence variant interpretation guidelines (Richards et al. 2015 PMID: 25741868, with internal and published modifications).

Labcorp Genetics (formerly Invitae), Labcorp
Classification: Likely benign for Leber congenital amaurosis 1; Cone-rod dystrophy 6. Last evaluated: 2023-04-04. Review status: criteria provided, single submitter. Criteria: Invitae Variant Classification Sherloc (09022015). Collection method: clinical testing. Allele origin: germline.

NM_000180.4(GUCY2D):c.438G>A (p.Ala146=)

Gene: GUCY2D (guanylate cyclase 2D, retinal; plus strand). Cytogenetic location: 17p13.1.
Variant type: single nucleotide variant.
Coding change: c.438G>A on transcript NM_000180.4 (MANE Select); coding-DNA position 438, G replaced by A.
Protein change: p.Ala146=; no amino-acid change (alanine 146 retained).
Molecular consequence: synonymous variant.
Genome position (GRCh38, 1-based): chr17:8,003,485, G>A. VCF-style: chr17-8003485-G-A. GRCh37 (hg19) VCF-style: chr17-7906803-G-A.
Other names: c.438G>A (NM_000180.3).
Identifiers: ClinVar variation 2926718 (VCV002926718.4), dbSNP rs765243245, ClinGen allele CA8365496.